The following is an entry in ClinVar:

ClinVar aggregate classification (germline): Likely benign (0 of 4 stars; one submission).

Conditions:
PLXNA4-related disorder. Also called: PLXNA4-related condition.

Allele frequency attached by ClinVar (database versions not stated): TOPMed below 0.00001; gnomAD 0.00004; gnomAD exomes 0.00004; ExAC 0.00007; 1000 Genomes Project 30x 0.00016; 1000 Genomes Project 0.00020.
gnomAD v4.1: 58 of 1,614,086 alleles (0.0036%); highest among the groups gnomAD compares: South Asian, 0.059%; no homozygotes.

Submission:

PreventionGenetics, part of Exact Sciences
Classification: Likely benign for PLXNA4-related condition. Last evaluated: 2021-08-19. Review status: no assertion criteria provided. Collection method: clinical testing. Allele origin: germline.
Comment: This variant is classified as likely benign based on ACMG/AMP sequence variant interpretation guidelines (Richards et al. 2015 PMID: 25741868, with internal and published modifications).

NM_020911.2(PLXNA4):c.4776T>C (p.Gly1592=)

Gene: PLXNA4 (plexin A4; minus strand). Cytogenetic location: 7q32.3.
Variant type: single nucleotide variant.
Coding change: c.4776T>C on transcript NM_020911.2 (MANE Select); coding-DNA position 4776, T replaced by C.
Protein change: p.Gly1592=; no amino-acid change (glycine 1592 retained).
Molecular consequence: synonymous variant.
Genome position (GRCh38, 1-based): chr7:132,147,988, A>G on the plus strand (T>C on the coding strand, the complement: PLXNA4 is on the minus strand). VCF-style: chr7-132147988-A-G. GRCh37 (hg19) VCF-style: chr7-131832747-A-G.
Other names: c.4776T>C, p.Gly1592= (NM_001393897.1).
Identifiers: ClinVar variation 3032645 (VCV003032645.2), dbSNP rs551122340, ClinGen allele CA4489091.
Genomic context (GRCh38, chr7:132,147,988, plus strand): 5'-GGTGGAGTTGTTCACTGCGTTATAGGCTGTCACCTGCTTGGACACTAATGCCACCACGGA[A>G]CCATCTGGCACCTACAGGGAAAAAGCTTCTCAGGGCCTAGGCACAGCAGCTCTGCCACTC-3'
Protein context (NP_065962.1, residues 1582-1602): NTLAHYQVPD[Gly1592=]SVVALVSKQV